The following is an entry in ClinVar:

ClinVar aggregate classification (germline): Benign (0 of 4 stars; one submission).

Conditions:
PIGH-related disorder. Also called: PIGH-related condition.

Allele frequency attached by ClinVar (database versions not stated): ExAC 0.01878; 1000 Genomes Project 30x 0.03670; ESP Exome Variant Server 0.02683; TOPMed 0.03101; gnomAD 0.02733; 1000 Genomes Project 0.03295.
gnomAD v4.1: 10,348 of 1,590,072 alleles (0.65%); highest among the groups gnomAD compares: African/African-American, 8.7%; 314 homozygotes.

Submission:

PreventionGenetics, part of Exact Sciences
Classification: Benign for PIGH-related condition. Last evaluated: 2022-11-17. Review status: no assertion criteria provided. Collection method: clinical testing. Allele origin: germline.
Comment: This variant is classified as benign based on ACMG/AMP sequence variant interpretation guidelines (Richards et al. 2015 PMID: 25741868, with internal and published modifications).

NM_004569.5(PIGH):c.141G>T (p.Thr47=)

Genes: GPHN (gephyrin; plus strand), PIGH (phosphatidylinositol glycan anchor biosynthesis class H; minus strand), LOC130055900 (ATAC-STARR-seq lymphoblastoid active region 8583; plus strand). Cytogenetic location: 14q24.1.
Variant type: single nucleotide variant.
Coding change: c.141G>T on transcript NM_004569.5 (MANE Select); coding-DNA position 141, G replaced by T.
Protein change: p.Thr47=; no amino-acid change (threonine 47 retained).
Molecular consequence: synonymous variant.
Genome position (GRCh38, 1-based): chr14:67,600,063, C>A on the plus strand (G>T on the coding strand, the complement: PIGH is on the minus strand). VCF-style: chr14-67600063-C-A. GRCh37 (hg19) VCF-style: chr14-68066780-C-A.
Other names: c.141G>T, p.Thr47= (NM_001363694.2).
Identifiers: ClinVar variation 3039267 (VCV003039267.2), dbSNP rs10134513, ClinGen allele CA7237615.